The following is an entry in ClinVar:

NM_014855.3(AP5Z1):c.490A>G (p.Ser164Gly)

Gene: AP5Z1 (adaptor related protein complex 5 subunit zeta 1; plus strand). Cytogenetic location: 7p22.1.
Variant type: single nucleotide variant.
Coding change: c.490A>G on transcript NM_014855.3 (MANE Select); coding-DNA position 490, A replaced by G.
Protein change: p.Ser164Gly; replaces serine 164 with glycine.
Molecular consequence: missense variant. On other transcripts: non-coding transcript variant (1).
Genome position (GRCh38, 1-based): chr7:4,783,439, A>G. VCF-style: chr7-4783439-A-G. GRCh37 (hg19) VCF-style: chr7-4823070-A-G.
Other names: c.490A>G, p.Ser164Gly (LRG_1247t1); c.22A>G, p.Ser8Gly (NM_001364858.1); short protein forms S164G, S8G.
Identifiers: ClinVar variation 538868 (VCV000538868.14), dbSNP rs202169962, ClinGen allele CA4137224.
Genomic context (GRCh38, chr7:4,783,439, plus strand): 5'-CAGCCTGAGGGACCCAGCCTCAGACACCTCCTCCCCGTCATGGCCAAGGTCGTGGTCCTC[A>G]GCCCGGGCACCCTCCAGGAGGGTACGCGGGGCCCCTCCCAAGAGGCTGTTGGGGGTCTGC-3'
Protein context (NP_055670.1, residues 154-174): LPVMAKVVVL[Ser164Gly]PGTLQEDQAT

ClinVar aggregate classification (germline): Benign/Likely benign. Review status: criteria provided, multiple submitters, no conflicts (2 of 4 stars). 2 submissions from 2 submitters: Benign (1); Likely benign (1). Last evaluated 2026-01-06.

Conditions:
Hereditary spastic paraplegia 48. Also called: SPASTIC PARAPLEGIA 48, AUTOSOMAL RECESSIVE; Spastic paraplegia 48. Identifiers: Orphanet 306511, MedGen C3150901, MONDO:0013342, OMIM 613647.

Allele frequency attached by ClinVar (database versions not stated): gnomAD exomes 0.00024 and 0.00089; gnomAD 0.00027 and 0.00039; TOPMed 0.00057; ExAC 0.00086; 1000 Genomes Project 30x 0.00156; 1000 Genomes Project 0.00160.
gnomAD v4.1: 408 of 1,612,644 alleles (0.025%); highest among the groups gnomAD compares: East Asian, 0.81%; 6 homozygotes.

Submissions (2):

Labcorp Genetics (formerly Invitae), Labcorp
Classification: Benign for Hereditary spastic paraplegia 48. Last evaluated: 2026-01-06. Review status: criteria provided, single submitter. Criteria: Invitae Variant Classification Sherloc (09022015). Collection method: clinical testing. Allele origin: germline.

Illumina Laboratory Services, Illumina
Classification: Likely benign for Hereditary spastic paraplegia 48. Last evaluated: 2017-04-28. Review status: criteria provided, single submitter. Criteria: ICSL Variant Classification Criteria 13 December 2019. Collection method: clinical testing. Allele origin: germline.
Comment: This variant was observed as part of a predisposition screen in an ostensibly healthy population. A literature search was performed for the gene, cDNA change, and amino acid change (where applicable). Publications were found based on this search. The evidence from the literature, in combination with allele frequency data from public databases where available, was sufficient to determine this variant is unlikely to cause disease. Therefore, this variant is classified as likely benign.

Literature cited by the submitters: PubMed 25333062 (cited by Illumina Laboratory Services, Illumina).